The following is an entry in ClinVar:

ClinVar aggregate classification (germline): Uncertain significance. Review status: reviewed by expert panel (3 of 4 stars). 3 submissions from 3 submitters: Uncertain significance (1). 2 of the submissions do not count toward it. Last evaluated 2025-12-16.

Conditions:
Glanzmann thrombasthenia 1 (GT1). Also called: BLEEDING DISORDER, PLATELET-TYPE, 2; GP IIb-IIIa COMPLEX DEFICIENCY; GLYCOPROTEIN COMPLEX IIb-IIIa DEFICIENCY; PLATELET FIBRINOGEN RECEPTOR DEFICIENCY. Identifiers: MedGen CN300358, MONDO:0031332, OMIM 273800.
Glanzmann thrombasthenia. Also called: THROMBASTHENIA OF GLANZMANN AND NAEGELI; Glanzmann's thrombasthenia; PLATELET GLYCOPROTEIN IIb-IIIa DEFICIENCY; Thrombasthenia. Identifiers: Orphanet 849, MedGen C0040015, MONDO:0100326.

Allele frequency attached by ClinVar (database versions not stated): gnomAD exomes below 0.00001.
gnomAD v4.1: 2 of 1,614,072 alleles (0.00012%); highest among the groups gnomAD compares: East Asian, 0.0022%; no homozygotes.

Submissions (3):

ClinGen Platelet Disorders Variant Curation Expert Panel, ClinGen
Classification: Uncertain significance for Glanzmann thrombasthenia. Last evaluated: 2025-12-16. Review status: reviewed by expert panel. Criteria: ClinGen Platelet ACMG Specifications v2-1. Collection method: curation. Allele origin: germline. Inheritance: Autosomal recessive inheritance.
Comment: The NM_000419.5(ITGA2B):c.2870C>T (p.Ser957Leu) missense variant has been reported, in the homozygous state, in at least one proband (PMID: 20020534; PM3_supporting). The highest population minor allele frequency in gnomAD v4.1 is 0.00002228 (1/44878 alleles) in the East Asian genetic ancestry group, which is lower than the ClinGen PD VCEP threshold (<0.0001; PM2_Supporting). The Ser957Leu mutant complex was expressed in COS-7 cells and, in three replicates, expression of the complex (% positive cells) was assessed by flow cytometry, using antibodies to alpha-IIb, beta-3 or the complex, finding approximately 19% positive cells for the αIIbβ3 complex compared to WT (PS3_supporting). In summary, this variant meets the criteria to be classified as uncertain significance for autosomal recessive Glanzmann Thrombasthenia based on the ACMG/AMP criteria applied, as specified by the ClinGen PD VCEP: PM2_Supporting, PM3_Supporting, PS3_Supporting (PD VCEP specifications version 2.1).

Women's Health and Genetics/Laboratory Corporation of America, LabCorp
Classification: Uncertain significance. Last evaluated: 2024-05-09. Review status: criteria provided, single submitter. Criteria: LabCorp Variant Classification Summary - May 2015. Collection method: clinical testing. Allele origin: germline. Not counted in ClinVar's aggregate classification.
Comment: Variant summary: ITGA2B c.2870C>T (p.Ser957Leu) results in a non-conservative amino acid change located in the Integrin alpha, third immunoglobulin-like domain (IPR048286) of the encoded protein sequence. Four of five in-silico tools predict a damaging effect of the variant on protein function. The variant was absent in 250924 control chromosomes. c.2870C>T has been reported in the literature in homozygous state in one individual affected with Glanzmann thrombasthenia 1 (Jallu_2010). These data indicate that the variant may be associated with disease. At least one publication reports experimental evidence evaluating an impact on protein function. The most pronounced variant effect results in reduced (approximately 33% of WT) "alpha IIb beta3" Fibrinogen receptor complex expression at the surface of Cos-7 cells that correlated with 10% beta3 expression at the surface of patient platelets (Jallu_2010). The following publications have been ascertained in the context of this evaluation (PMID: 20020534). ClinVar contains an entry for this variant (Variation ID: 2902). Based on the evidence outlined above, the variant was classified as VUS-possibly pathogenic.

OMIM
Classification: Pathogenic for GLANZMANN THROMBASTHENIA 1. Last evaluated: 2010-03-01. Review status: no assertion criteria provided. Collection method: literature only. Allele origin: germline. Not counted in ClinVar's aggregate classification.

Literature cited by the submitters: PubMed 20020534 (cited by 3 submitters); PubMed 25827233 (cited by Women's Health and Genetics/Laboratory Corporation of America, LabCorp).

NM_000419.5(ITGA2B):c.2870C>T (p.Ser957Leu)

Gene: ITGA2B (integrin subunit alpha 2b; minus strand). Cytogenetic location: 17q21.31.
Variant type: single nucleotide variant.
Coding change: c.2870C>T on transcript NM_000419.5 (MANE Select); coding-DNA position 2870, C replaced by T.
Protein change: p.Ser957Leu; replaces serine 957 with leucine.
Molecular consequence: missense variant.
Genome position (GRCh38, 1-based): chr17:44,374,732, G>A on the plus strand (C>T on the coding strand, the complement: ITGA2B is on the minus strand). VCF-style: chr17-44374732-G-A. GRCh37 (hg19) VCF-style: chr17-42452100-G-A.
Other names: S926L; c.2870C>T, p.Ser957Leu (LRG_479t1); short protein forms S957L.
Identifiers: ClinVar variation 2902 (VCV000002902.9), dbSNP rs80002943, ClinGen allele CA115850.